The following is an entry in ClinVar:

NM_001379270.1(CNGA1):c.1393G>T (p.Val465Phe)

Genes: CNGA1 (cyclic nucleotide gated channel subunit alpha 1; minus strand), LOC101927157 (uncharacterized LOC101927157; plus strand). Cytogenetic location: 4p12.
Variant type: single nucleotide variant.
Coding change: c.1393G>T on transcript NM_001379270.1 (MANE Select); coding-DNA position 1393, G replaced by T.
Protein change: p.Val465Phe; replaces valine 465 with phenylalanine.
Molecular consequence: missense variant.
Genome position (GRCh38, 1-based): chr4:47,937,089, C>A on the plus strand (G>T on the coding strand, the complement: CNGA1 is on the minus strand). VCF-style: chr4-47937089-C-A. GRCh37 (hg19) VCF-style: chr4-47939106-C-A.
Other names: c.1393G>T, p.Val465Phe (NM_001142564.2, NM_000087.5); short protein forms V465F.
Identifiers: ClinVar variation 1007902 (VCV001007902.9), dbSNP rs983435442, ClinGen allele CA96688671.
Genomic context (GRCh38, chr4:47,937,089, plus strand): 5'-CCAACAGACCAGCTTCACAATCAGCAAAAATGCGTACCTTTTTTAATGTGTCTAAGTGAA[C>A]GTTGATGGCAATTTCTGCTCTTAGTTTATCAGGTAGATACTTTAAGACTTCTTTCTCATC-3'
Protein context (NP_001366199.1, residues 455-475): DKLRAEIAIN[Val465Phe]HLDTLKKVRI

ClinVar aggregate classification (germline): Uncertain significance. Review status: criteria provided, multiple submitters, no conflicts (2 of 4 stars). 2 submissions from 2 submitters: Uncertain significance (2). Last evaluated 2024-10-24.

Allele frequency attached by ClinVar (database versions not stated): TOPMed 0.00001; gnomAD 0.00004.
gnomAD v4.1: 18 of 1,614,040 alleles (0.0011%); highest among the groups gnomAD compares: Admixed American, 0.01%; no homozygotes.

Submissions (2):

Blueprint Genetics
Classification: Uncertain significance. Last evaluated: 2024-10-24. Review status: criteria provided, single submitter. Criteria: ACMG Guidelines, 2015. Collection method: clinical testing. Allele origin: germline.

Labcorp Genetics (formerly Invitae), Labcorp
Classification: Uncertain significance. Last evaluated: 2024-10-08. Review status: criteria provided, single submitter. Criteria: Invitae Variant Classification Sherloc (09022015). Collection method: clinical testing. Allele origin: germline.
Comment: This sequence change replaces valine, which is neutral and non-polar, with phenylalanine, which is neutral and non-polar, at codon 469 of the CNGA1 protein (p.Val469Phe). This variant is present in population databases (no rsID available, gnomAD 0.006%). This variant has not been reported in the literature in individuals affected with CNGA1-related conditions. ClinVar contains an entry for this variant (Variation ID: 1007902). Invitae Evidence Modeling of protein sequence and biophysical properties (such as structural, functional, and spatial information, amino acid conservation, physicochemical variation, residue mobility, and thermodynamic stability) indicates that this missense variant is expected to disrupt CNGA1 protein function with a positive predictive value of 80%. In summary, the available evidence is currently insufficient to determine the role of this variant in disease. Therefore, it has been classified as a Variant of Uncertain Significance.